The following is an entry in ClinVar:

NM_006231.4(POLE):c.1242C>T (p.Asp414=)

Gene: POLE (DNA polymerase epsilon, catalytic subunit; minus strand). Cytogenetic location: 12q24.33.
Variant type: single nucleotide variant.
Coding change: c.1242C>T on transcript NM_006231.4 (MANE Select); coding-DNA position 1242, C replaced by T.
Protein change: p.Asp414=; no amino-acid change (aspartic acid 414 retained).
Molecular consequence: synonymous variant.
Genome position (GRCh38, 1-based): chr12:132,673,692, G>A on the plus strand (C>T on the coding strand, the complement: POLE is on the minus strand). VCF-style: chr12-132673692-G-A. GRCh37 (hg19) VCF-style: chr12-133250278-G-A.
Identifiers: ClinVar variation 473444 (VCV000473444.18), dbSNP rs775213170, ClinGen allele CA6894023.
Genomic context (GRCh38, chr12:132,673,692, plus strand): 5'-ATAGCCTAGCTTGGCCTTGGCGGCCGCCTTGAGATTATGACTGCCCACAGGAAGGTAACT[G>A]TCCCTCTTCACCCACCTGGAAGGAGAATGAGAACAGAAGCCAGGATGATTCTAACATGCA-3'
Protein context (NP_006222.2, residues 404-424): HMDCLRWVKR[Asp414=]SYLPVGSHNL

ClinVar aggregate classification (germline): Conflicting classifications of pathogenicity. Review status: criteria provided, conflicting classifications (1 of 4 stars). 4 submissions from 4 submitters: Uncertain significance (1); Benign (1); Likely benign (2). Last evaluated 2025-08-26.

Conditions:
Hereditary cancer-predisposing syndrome. Also called: Neoplastic Syndromes, Hereditary; Tumor predisposition; Hereditary Cancer Syndrome; Hereditary neoplastic syndrome. Identifiers: Orphanet 140162, MedGen C0027672, MeSH D009386, MONDO:0015356.
Colorectal cancer, susceptibility to, 12 (CRCS12). Also called: COLORECTAL CANCER, SUSCEPTIBILITY TO, ON CHROMOSOME 12q24. Identifiers: Orphanet 220460, MedGen C3554460, MONDO:0014038, OMIM 615083.

Allele frequency attached by ClinVar (database versions not stated): gnomAD exomes below 0.00001; ExAC 0.00002.
gnomAD v4.1: 4 of 1,613,866 alleles (0.00025%); highest among the groups gnomAD compares: Non-Finnish European, 0.00034%; no homozygotes.

Submissions (4):

Labcorp Genetics (formerly Invitae), Labcorp
Classification: Likely benign. Last evaluated: 2025-08-26. Review status: criteria provided, single submitter. Criteria: Invitae Variant Classification Sherloc (09022015). Collection method: clinical testing. Allele origin: germline.

Myriad Genetics, Inc.
Classification: Benign for Colorectal cancer, susceptibility to, 12. Last evaluated: 2025-02-10. Review status: criteria provided, single submitter. Criteria: Myriad Autosomal Dominant, Autosomal Recessive and X-Linked Classification Criteria (2023). Collection method: clinical testing. Allele origin: unknown.
Comment: This variant is considered benign. This variant is a silent/synonymous amino acid change and it is not expected to impact splicing.

Quest Diagnostics Nichols Institute San Juan Capistrano
Classification: Uncertain significance. Last evaluated: 2017-11-18. Review status: criteria provided, single submitter. Criteria: Quest Diagnostics criteria. Collection method: clinical testing. Allele origin: germline.

Ambry Genetics
Classification: Likely benign for Hereditary cancer-predisposing syndrome. Last evaluated: 2017-09-14. Review status: criteria provided, single submitter. Criteria: Ambry Variant Classification Scheme 2023. Collection method: clinical testing. Allele origin: germline.